The following is an entry in ClinVar:

ClinVar aggregate classification (germline): Uncertain significance (1 of 4 stars; one submission).

Submission:

Labcorp Genetics (formerly Invitae), Labcorp
Classification: Uncertain significance. Last evaluated: 2025-05-05. Review status: criteria provided, single submitter. Criteria: Invitae Variant Classification Sherloc (09022015). Collection method: clinical testing. Allele origin: germline.
Comment: This sequence change falls in intron 2 of the SCLT1 gene. It does not directly change the encoded amino acid sequence of the SCLT1 protein. It affects a nucleotide within the consensus splice site. This variant is not present in population databases (gnomAD no frequency). This variant has not been reported in the literature in individuals affected with SCLT1-related conditions. ClinVar contains an entry for this variant (Variation ID: 1440751). Variants that disrupt the consensus splice site are a relatively common cause of aberrant splicing (PMID: 17576681, 9536098). Algorithms developed to predict the effect of sequence changes on RNA splicing suggest that this variant may disrupt the consensus splice site. In summary, the available evidence is currently insufficient to determine the role of this variant in disease. Therefore, it has been classified as a Variant of Uncertain Significance.

Literature cited by the submitters: PubMed 17576681; PubMed 9536098.

NM_144643.4(SCLT1):c.103-3T>G

Gene: SCLT1 (sodium channel and clathrin linker 1; minus strand). Cytogenetic location: 4q28.2.
Variant type: single nucleotide variant.
Coding change: c.103-3T>G on transcript NM_144643.4 (MANE Select); 3 bases into the intron before coding-DNA position 103, T replaced by G.
Molecular consequence: intron variant.
Genome position (GRCh38, 1-based): chr4:129,044,054, A>C on the plus strand (T>G on the coding strand, the complement: SCLT1 is on the minus strand). VCF-style: chr4-129044054-A-C. GRCh37 (hg19) VCF-style: chr4-129965209-A-C.
Other names: c.103-3T>G (NM_001300898.2, NM_001300897.2).
Identifiers: ClinVar variation 1440751 (VCV001440751.6), dbSNP rs2125699960, ClinGen allele CA2573138060.